The following is an entry in ClinVar:

NM_003486.7(SLC7A5):c.*9C>G

Gene: SLC7A5 (solute carrier family 7 member 5; minus strand). Cytogenetic location: 16q24.2.
Variant type: single nucleotide variant.
Coding change: c.*9C>G on transcript NM_003486.7 (MANE Select); 9 bases downstream of the stop codon, C replaced by G.
Molecular consequence: 3 prime UTR variant.
Genome position (GRCh38, 1-based): chr16:87,832,961, G>C on the plus strand (C>G on the coding strand, the complement: SLC7A5 is on the minus strand). VCF-style: chr16-87832961-G-C. GRCh37 (hg19) VCF-style: chr16-87866567-G-C.
Identifiers: ClinVar variation 3039582 (VCV003039582.2), dbSNP rs141073967, ClinGen allele CA8222630.

ClinVar aggregate classification (germline): Likely benign (0 of 4 stars; one submission).

Conditions:
SLC7A5-related disorder. Also called: SLC7A5-related condition.

gnomAD v4.1: 55 of 1,612,496 alleles (0.0034%); highest among the groups gnomAD compares: Non-Finnish European, 0.0045%; no homozygotes.

Submission:

PreventionGenetics, part of Exact Sciences
Classification: Likely benign for SLC7A5-related condition. Last evaluated: 2019-05-24. Review status: no assertion criteria provided. Collection method: clinical testing. Allele origin: germline.
Comment: This variant is classified as likely benign based on ACMG/AMP sequence variant interpretation guidelines (Richards et al. 2015 PMID: 25741868, with internal and published modifications).